The following is an entry in ClinVar:

ClinVar aggregate classification (germline): Benign. Review status: criteria provided, single submitter (1 of 4 stars). 2 submissions from 2 submitters: Benign (1). 1 of the submissions does not count toward it. Last evaluated 2025-01-07.

Conditions:
CPAMD8-related disorder. Also called: CPAMD8-related condition.

Allele frequency attached by ClinVar (database versions not stated): gnomAD 0.00007; TOPMed 0.00020; 1000 Genomes Project 0.00040; 1000 Genomes Project 30x 0.00047; ExAC 0.00073.
gnomAD v4.1: 137 of 1,594,992 alleles (0.0086%); highest among the groups gnomAD compares: Admixed American, 0.19%; 1 homozygote.

Submissions (2):

Labcorp Genetics (formerly Invitae), Labcorp
Classification: Benign. Last evaluated: 2025-01-07. Review status: criteria provided, single submitter. Criteria: Invitae Variant Classification Sherloc (09022015). Collection method: clinical testing. Allele origin: germline.

PreventionGenetics, part of Exact Sciences
Classification: Likely benign for CPAMD8-related condition. Last evaluated: 2019-02-25. Review status: no assertion criteria provided. Collection method: clinical testing. Allele origin: germline. Not counted in ClinVar's aggregate classification.
Comment: This variant is classified as likely benign based on ACMG/AMP sequence variant interpretation guidelines (Richards et al. 2015 PMID: 25741868, with internal and published modifications).

NM_015692.5(CPAMD8):c.4773+10C>T

Gene: CPAMD8 (C3 and PZP like alpha-2-macroglobulin domain containing 8; minus strand). Cytogenetic location: 19p13.11.
Variant type: single nucleotide variant.
Coding change: c.4773+10C>T on transcript NM_015692.5 (MANE Select); 10 bases into the intron after coding-DNA position 4773, C replaced by T.
Molecular consequence: intron variant.
Genome position (GRCh38, 1-based): chr19:16,901,200, G>A on the plus strand (C>T on the coding strand, the complement: CPAMD8 is on the minus strand). VCF-style: chr19-16901200-G-A. GRCh37 (hg19) VCF-style: chr19-17012010-G-A.
Identifiers: ClinVar variation 3049738 (VCV003049738.4), dbSNP rs543867777, ClinGen allele CA9284490.